The following is an entry in ClinVar:

ClinVar aggregate classification (germline): Uncertain significance. Review status: criteria provided, multiple submitters, no conflicts (2 of 4 stars). 2 submissions from 2 submitters: Uncertain significance (2). Last evaluated 2026-07-13.

Conditions:
Cardiovascular phenotype. Identifiers: MedGen CN230736.
Long QT syndrome (LQTS). Identifiers: MedGen C0023976, MeSH D008133, MONDO:0002442. Disease mechanism: loss of function. Inheritance: Various modes of inheritance.

Allele frequency attached by ClinVar (database versions not stated): TOPMed below 0.00001; gnomAD 0.00001; gnomAD exomes 0.00002.
gnomAD v4.1: 24 of 1,613,988 alleles (0.0015%); highest among the groups gnomAD compares: Non-Finnish European, 0.002%; no homozygotes.

Submissions (2):

Ambry Genetics
Classification: Uncertain significance for Cardiovascular phenotype. Last evaluated: 2026-07-13. Review status: criteria provided, single submitter. Criteria: Ambry Variant Classification Scheme 2023. Collection method: clinical testing. Allele origin: germline.
Comment: The c.9729+4C>T intronic variant results from a C to T substitution 4 nucleotides after coding exon 40 in the AKAP9 gene. This nucleotide position is poorly conserved in available vertebrate species. In silico splice site analysis predicts that this alteration will not have any significant effect on splicing. The evidence for this gene-disease relationship is limited; therefore, the clinical significance of this variant is unclear.

Labcorp Genetics (formerly Invitae), Labcorp
Classification: Uncertain significance for Long QT syndrome. Last evaluated: 2022-05-21. Review status: criteria provided, single submitter. Criteria: Invitae Variant Classification Sherloc (09022015). Collection method: clinical testing. Allele origin: germline.
Comment: In summary, the available evidence is currently insufficient to determine the role of this variant in disease. Therefore, it has been classified as a Variant of Uncertain Significance. Variants that disrupt the consensus splice site are a relatively common cause of aberrant splicing (PMID: 17576681, 9536098). Algorithms developed to predict the effect of sequence changes on RNA splicing suggest that this variant is not likely to affect RNA splicing. This variant has not been reported in the literature in individuals affected with AKAP9-related conditions. This variant is present in population databases (no rsID available, gnomAD 0.003%). This sequence change falls in intron 40 of the AKAP9 gene. It does not directly change the encoded amino acid sequence of the AKAP9 protein. It affects a nucleotide within the consensus splice site.

Literature cited by the submitters: PubMed 17576681 (cited by Labcorp Genetics (formerly Invitae), Labcorp); PubMed 9536098 (cited by Labcorp Genetics (formerly Invitae), Labcorp).

NM_005751.5(AKAP9):c.9729+4C>T

Gene: AKAP9 (A-kinase anchoring protein 9; plus strand). Cytogenetic location: 7q21.2.
Variant type: single nucleotide variant.
Coding change: c.9729+4C>T on transcript NM_005751.5 (MANE Select); 4 bases into the intron after coding-DNA position 9729, C replaced by T.
Molecular consequence: intron variant.
Genome position (GRCh38, 1-based): chr7:92,095,177, C>T. VCF-style: chr7-92095177-C-T. GRCh37 (hg19) VCF-style: chr7-91724491-C-T.
Other names: c.9705+4C>T (NM_147185.3); c.4374+4C>T (NM_001379277.1).
Identifiers: ClinVar variation 1767993 (VCV001767993.8), dbSNP rs951764561, ClinGen allele CA161895751.
Genomic context (GRCh38, chr7:92,095,177, plus strand): 5'-GAGAAAGAGAAAGCCAAGTTGGGACGCAGTGAAGAACGGGATAAAGAAGAACTTGAGGTA[C>T]TGTTATCTTTGTCTTTAAATGTCTGGAAAATCCAGAATGATAGAAGAGGGTCTTAAGGCT-3'